The following is an entry in ClinVar:

ClinVar aggregate classification (germline): Uncertain significance (1 of 4 stars; one submission).

Conditions:
Benign neonatal seizures. Also called: Benign neonatal familial convulsions; Convulsions benign familial neonatal dominant form; Autosomal dominant form of benign neonatal seizures; Benign familial neonatal seizures; Benign familial neonatal epilepsy. Identifiers: Orphanet 1949, MedGen C0220669, MONDO:0016027.

Submission:

Labcorp Genetics (formerly Invitae), Labcorp
Classification: Uncertain significance for Benign neonatal seizures. Last evaluated: 2022-05-04. Review status: criteria provided, single submitter. Criteria: Invitae Variant Classification Sherloc (09022015). Collection method: clinical testing. Allele origin: germline.
Comment: Advanced modeling of protein sequence and biophysical properties (such as structural, functional, and spatial information, amino acid conservation, physicochemical variation, residue mobility, and thermodynamic stability) performed at Invitae indicates that this missense variant is not expected to disrupt KCNQ3 protein function. In summary, the available evidence is currently insufficient to determine the role of this variant in disease. Therefore, it has been classified as a Variant of Uncertain Significance. This variant has not been reported in the literature in individuals affected with KCNQ3-related conditions. This variant is not present in population databases (gnomAD no frequency). This sequence change replaces alanine, which is neutral and non-polar, with glutamic acid, which is acidic and polar, at codon 56 of the KCNQ3 protein (p.Ala56Glu).

NM_004519.4(KCNQ3):c.167C>A (p.Ala56Glu)

Gene: KCNQ3 (potassium voltage-gated channel subfamily Q member 3; minus strand). Cytogenetic location: 8q24.22.
Variant type: single nucleotide variant.
Coding change: c.167C>A on transcript NM_004519.4 (MANE Select); coding-DNA position 167, C replaced by A.
Protein change: p.Ala56Glu; replaces alanine 56 with glutamic acid.
Molecular consequence: missense variant.
Genome position (GRCh38, 1-based): chr8:132,480,366, G>T on the plus strand (C>A on the coding strand, the complement: KCNQ3 is on the minus strand). VCF-style: chr8-132480366-G-T. GRCh37 (hg19) VCF-style: chr8-133492613-G-T.
Other names: short protein forms A56E.
Identifiers: ClinVar variation 2133899 (VCV002133899.4), dbSNP rs2537398461, ClinGen allele CA372292759.